The following is an entry in ClinVar:

NM_002294.3(LAMP2):c.80A>T (p.Tyr27Phe)

Gene: LAMP2 (lysosome associated membrane protein 2; minus strand). Cytogenetic location: Xq24.
Variant type: single nucleotide variant.
Coding change: c.80A>T on transcript NM_002294.3 (MANE Select); coding-DNA position 80, A replaced by T.
Protein change: p.Tyr27Phe; replaces tyrosine 27 with phenylalanine.
Molecular consequence: missense variant.
Genome position (GRCh38, 1-based): chrX:120,456,754, T>A on the plus strand (A>T on the coding strand, the complement: LAMP2 is on the minus strand). VCF-style: chrX-120456754-T-A. GRCh37 (hg19) VCF-style: chrX-119590609-T-A.
Other names: c.80A>T, p.Tyr27Phe (NM_001122606.1, NM_013995.2); short protein forms Y27F.
Identifiers: ClinVar variation 2986801 (VCV002986801.3), dbSNP rs1449153826, ClinGen allele CA414403790.

ClinVar aggregate classification (germline): Uncertain significance (1 of 4 stars; one submission).

Conditions:
Danon disease. Also called: ANTOPOL DISEASE; PSEUDOGLYCOGENOSIS II; GSD IIb; LYSOSOMAL GLYCOGEN STORAGE DISEASE WITHOUT ACID MALTASE DEFICIENCY; Glycogen Storage Disease Type IIb. Identifiers: Orphanet 34587, MedGen C0878677, MONDO:0010281, OMIM 300257.

Submission:

Labcorp Genetics (formerly Invitae), Labcorp
Classification: Uncertain significance for Danon disease. Last evaluated: 2022-12-24. Review status: criteria provided, single submitter. Criteria: Invitae Variant Classification Sherloc (09022015). Collection method: clinical testing. Allele origin: germline.
Comment: In summary, the available evidence is currently insufficient to determine the role of this variant in disease. Therefore, it has been classified as a Variant of Uncertain Significance. Advanced modeling of protein sequence and biophysical properties (such as structural, functional, and spatial information, amino acid conservation, physicochemical variation, residue mobility, and thermodynamic stability) performed at Invitae indicates that this missense variant is not expected to disrupt LAMP2 protein function. This variant has not been reported in the literature in individuals affected with LAMP2-related conditions. This variant is not present in population databases (gnomAD no frequency). This sequence change replaces tyrosine, which is neutral and polar, with phenylalanine, which is neutral and non-polar, at codon 27 of the LAMP2 protein (p.Tyr27Phe).